The following is an entry in ClinVar:

ClinVar aggregate classification (germline): Uncertain significance (1 of 4 stars; one submission).

Conditions:
Congenital contractural arachnodactyly (CCA). Also called: BEALS SYNDROME; Beals-Hecht syndrome; Arthrogryposis, distal, type 9. Identifiers: Orphanet 115, MedGen C0220668, MONDO:0007363, OMIM 121050.

gnomAD v4.1: 2 of 1,614,048 alleles (0.00012%); highest among the groups gnomAD compares: South Asian, 0.0011%; no homozygotes.

Submission:

Labcorp Genetics (formerly Invitae), Labcorp
Classification: Uncertain significance for Congenital contractural arachnodactyly. Last evaluated: 2025-01-11. Review status: criteria provided, single submitter. Criteria: Invitae Variant Classification Sherloc (09022015). Collection method: clinical testing. Allele origin: germline.
Comment: This sequence change affects codon 1199 of the FBN2 mRNA. It is a 'silent' change, meaning that it does not change the encoded amino acid sequence of the FBN2 protein. It affects a nucleotide within the consensus splice site. This variant is not present in population databases (gnomAD no frequency). This variant has not been reported in the literature in individuals affected with FBN2-related conditions. Algorithms developed to predict the effect of sequence changes on RNA splicing suggest that this variant is not likely to affect RNA splicing. In summary, the available evidence is currently insufficient to determine the role of this variant in disease. Therefore, it has been classified as a Variant of Uncertain Significance.

NM_001999.4(FBN2):c.3597G>T (p.Val1199=)

Gene: FBN2 (fibrillin 2; minus strand). Cytogenetic location: 5q23.3.
Variant type: single nucleotide variant.
Coding change: c.3597G>T on transcript NM_001999.4 (MANE Select); coding-DNA position 3597, G replaced by T.
Protein change: p.Val1199=; no amino-acid change (valine 1199 retained).
Molecular consequence: synonymous variant.
Genome position (GRCh38, 1-based): chr5:128,337,998, C>A on the plus strand (G>T on the coding strand, the complement: FBN2 is on the minus strand). VCF-style: chr5-128337998-C-A. GRCh37 (hg19) VCF-style: chr5-127673690-C-A.
Identifiers: ClinVar variation 3698081 (VCV003698081.2).